The following is an entry in ClinVar:

ClinVar aggregate classification (germline): Uncertain significance. Review status: criteria provided, multiple submitters, no conflicts (2 of 4 stars). 2 submissions from 2 submitters: Uncertain significance (2). Last evaluated 2025-06-29.

Conditions:
Ehlers-Danlos syndrome, classic type (cEDS). Identifiers: Orphanet 287, MedGen C4225429, MONDO:0007522.
Ehlers-Danlos syndrome, classic type, 1 (EDSCL1). Also called: Ehlers-Danlos Syndrome, Classic Type, COL5A1-Related; EDS I; Ehlers-Danlos syndrome, type 1; EHLERS-DANLOS SYNDROME, GRAVIS TYPE; EHLERS-DANLOS SYNDROME, SEVERE CLASSIC TYPE. Identifiers: MedGen C0268335, MONDO:0019567, OMIM 130000.

Allele frequency attached by ClinVar (database versions not stated): gnomAD 0.00001.
gnomAD v4.1: 1 of 1,613,900 alleles (0.000062%); highest among the groups gnomAD compares: Admixed American, 0.0017%; no homozygotes.

Submissions (2):

Labcorp Genetics (formerly Invitae), Labcorp
Classification: Uncertain significance for Ehlers-Danlos syndrome, classic type, 1. Last evaluated: 2025-06-29. Review status: criteria provided, single submitter. Criteria: Invitae Variant Classification Sherloc (09022015). Collection method: clinical testing. Allele origin: germline.
Comment: This sequence change replaces glycine, which is neutral and non-polar, with arginine, which is basic and polar, at codon 561 of the COL5A2 protein (p.Gly561Arg). This variant is present in population databases (no rsID available, gnomAD 0.1%). This variant has not been reported in the literature in individuals affected with COL5A2-related conditions. ClinVar contains an entry for this variant (Variation ID: 547883). Invitae Evidence Modeling of protein sequence and biophysical properties (such as structural, functional, and spatial information, amino acid conservation, physicochemical variation, residue mobility, and thermodynamic stability) indicates that this missense variant is expected to disrupt COL5A2 protein function with a positive predictive value of 80%. In summary, the available evidence is currently insufficient to determine the role of this variant in disease. Therefore, it has been classified as a Variant of Uncertain Significance.

Mayo Clinic Laboratories, Mayo Clinic
Classification: Uncertain significance for Ehlers-Danlos syndrome, classic type, 1. Last evaluated: 2016-11-02. Review status: criteria provided, single submitter. Criteria: ACMG Guidelines, 2015. Collection method: clinical testing. Allele origin: maternal.

NM_000393.5(COL5A2):c.1681G>A (p.Gly561Arg)

Gene: COL5A2 (collagen type V alpha 2 chain; minus strand). Cytogenetic location: 2q32.2.
Variant type: single nucleotide variant.
Coding change: c.1681G>A on transcript NM_000393.5 (MANE Select); coding-DNA position 1681, G replaced by A.
Protein change: p.Gly561Arg; replaces glycine 561 with arginine.
Molecular consequence: missense variant.
Genome position (GRCh38, 1-based): chr2:189,064,592, C>T on the plus strand (G>A on the coding strand, the complement: COL5A2 is on the minus strand). VCF-style: chr2-189064592-C-T. GRCh37 (hg19) VCF-style: chr2-189929318-C-T.
Other names: short protein forms G561R.
Identifiers: ClinVar variation 547883 (VCV000547883.7), dbSNP rs1184276149, ClinGen allele CA349850537.